The following is an entry in ClinVar:

ClinVar aggregate classification (germline): Benign (0 of 4 stars; one submission).

Conditions:
ZFHX3-related disorder. Also called: ZFHX3-related condition.

Allele frequency attached by ClinVar (database versions not stated): ESP Exome Variant Server 0.00031; TOPMed 0.00032; gnomAD 0.00076; ExAC 0.00344; 1000 Genomes Project 30x 0.00500; 1000 Genomes Project 0.00519.
gnomAD v4.1: 2,290 of 1,602,852 alleles (0.14%); highest among the groups gnomAD compares: South Asian, 2.2%; 35 homozygotes.

Submission:

PreventionGenetics, part of Exact Sciences
Classification: Benign for ZFHX3-related condition. Last evaluated: 2019-07-01. Review status: no assertion criteria provided. Collection method: clinical testing. Allele origin: germline.
Comment: This variant is classified as benign based on ACMG/AMP sequence variant interpretation guidelines (Richards et al. 2015 PMID: 25741868, with internal and published modifications).

NM_006885.4(ZFHX3):c.363C>T (p.Asp121=)

Gene: ZFHX3 (zinc finger homeobox 3; minus strand). Cytogenetic location: 16q22.3.
Variant type: single nucleotide variant.
Coding change: c.363C>T on transcript NM_006885.4 (MANE Select); coding-DNA position 363, C replaced by T.
Protein change: p.Asp121=; no amino-acid change (aspartic acid 121 retained).
Molecular consequence: synonymous variant. On other transcripts: intron variant (1).
Genome position (GRCh38, 1-based): chr16:72,959,783, G>A on the plus strand (C>T on the coding strand, the complement: ZFHX3 is on the minus strand). VCF-style: chr16-72959783-G-A. GRCh37 (hg19) VCF-style: chr16-72993682-G-A.
Other names: c.363C>T, p.Asp121= (NM_001386735.1); c.-23-8818C>T (NM_001164766.2).
Identifiers: ClinVar variation 3043248 (VCV003043248.2), dbSNP rs138535630, ClinGen allele CA8165010.